The following is an entry in ClinVar:

NM_003937.3(KYNU):c.170-1G>T

Gene: KYNU (kynureninase; plus strand). Cytogenetic location: 2q22.2.
Variant type: single nucleotide variant.
Coding change: c.170-1G>T on transcript NM_003937.3 (MANE Select); the canonical splice acceptor site of the intron before coding-DNA position 170, G replaced by T.
Molecular consequence: splice acceptor variant.
Genome position (GRCh38, 1-based): chr2:142,918,608, G>T. VCF-style: chr2-142918608-G-T. GRCh37 (hg19) VCF-style: chr2-143676177-G-T.
Other names: IVS2AS, G-T, -1; c.170-1G>T (NM_001199241.2, NM_001032998.2).
Identifiers: ClinVar variation 403729 (VCV000403729.3), dbSNP rs1135401744, ClinGen allele CA348849378.

ClinVar aggregate classification (germline): Pathogenic. Review status: criteria provided, single submitter (1 of 4 stars). 2 submissions from 2 submitters: Pathogenic (1). 1 of the submissions does not count toward it. Last evaluated 2016-12-23.

Conditions:
Congenital NAD deficiency disorder. Identifiers: MedGen CN241975.
Vertebral, cardiac, renal, and limb defects syndrome 2. Also called: KYNURENINASE DEFICIENCY, COMPLETE; CONGENITAL NAD DEFICIENCY DISORDER 2. Identifiers: MedGen C4540014, MONDO:0060555, OMIM 617661.

Allele frequency attached by ClinVar (database versions not stated): TOPMed below 0.00001; gnomAD exomes 0.00014.

Submissions (2):

Embryology Laboratory, Victor Chang Cardiac Research Institute
Classification: Pathogenic for Congenital NAD deficiency disorder. Last evaluated: 2016-12-23. Review status: criteria provided, single submitter. Criteria: ACMG Guidelines, 2015. Collection method: research. Allele origin: germline. Inheritance: Autosomal recessive inheritance. Affected: yes. Observed: 1 variant allele, 1 homozygote. Functional consequence: loss_of_function_variant, effect on catalytic protein function.
Comment: This variant was discovered in a consanguineous family of Middle East origin. This variant is a protein truncating variant and novel (ExAC MAF 0). Enzyme assay confirmed that the protein product of this gene variant has lost enzyme activity. Mouse embryos homozygous null for Kynu presented similar phenotype as observed in the patient, and also showed reduced concentration of NAD in the embryonic tissue.

OMIM
Classification: Pathogenic for VERTEBRAL, CARDIAC, RENAL, AND LIMB DEFECTS SYNDROME 2. Last evaluated: 2017-09-21. Review status: no assertion criteria provided. Collection method: literature only. Allele origin: germline. Not counted in ClinVar's aggregate classification.

Literature cited by the submitters: PubMed 28792876 (cited by Embryology Laboratory, Victor Chang Cardiac Research Institute and OMIM).